The following is an entry in ClinVar:

ClinVar aggregate classification (germline): Uncertain significance (1 of 4 stars; one submission).

Submission:

GeneDx
Classification: Uncertain significance. Last evaluated: 2025-02-13. Review status: criteria provided, single submitter. Criteria: GeneDx Variant Classification Process June 2021. Collection method: clinical testing. Allele origin: germline. Affected: yes.
Comment: Not observed at significant frequency in large population cohorts (gnomAD); In silico analysis supports a deleterious effect on splicing; In silico analysis supports that this missense variant has a deleterious effect on protein structure/function; Has not been previously published as pathogenic or benign to our knowledge

NM_000540.3(RYR1):c.12509T>G (p.Leu4170Arg)

Gene: RYR1 (ryanodine receptor 1; plus strand). Cytogenetic location: 19q13.2.
Variant type: single nucleotide variant.
Coding change: c.12509T>G on transcript NM_000540.3 (MANE Select); coding-DNA position 12509, T replaced by G.
Protein change: p.Leu4170Arg; replaces leucine 4170 with arginine.
Molecular consequence: missense variant.
Genome position (GRCh38, 1-based): chr19:38,561,339, T>G. VCF-style: chr19-38561339-T-G. GRCh37 (hg19) VCF-style: chr19-39051979-T-G.
Other names: c.12494T>G, p.Leu4165Arg (NM_001042723.2); short protein forms L4165R, L4170R.
Identifiers: ClinVar variation 4075667 (VCV004075667.1).